The following is an entry in ClinVar:

NM_033305.3(VPS13A):c.4930_4931del (p.Met1644fs)

Gene: VPS13A (vacuolar protein sorting 13 homolog A; plus strand). Cytogenetic location: 9q21.2.
Variant type: Microsatellite.
Coding change: c.4930_4931del on transcript NM_033305.3 (MANE Select); coding-DNA positions 4930 to 4931, 2 bases deleted (AT; older notation c.4930_4931delAT).
Protein change: p.Met1644fs; shifts the reading frame from methionine 1644.
Molecular consequence: frameshift variant.
Genome position (GRCh38, 1-based): chr9:77,317,672-77,317,673, AT deleted; deleting any 2 consecutive bases within chr9:77,317,670-77,317,673 gives the same sequence; the c. name uses the placement nearest the transcript's 3' end. VCF-style (leftmost placement, unchanged base first): chr9-77317669-GAT-G. GRCh37 (hg19) VCF-style: chr9-79932585-GAT-G.
Other names: c.4813_4814del, p.Met1605fs (NM_001018037.2); c.4930_4931del, p.Met1644fs (NM_001018038.3, NM_015186.4); short protein forms M1605fs, M1644fs.
Identifiers: ClinVar variation 5015129 (VCV005015129.1).

ClinVar aggregate classification (germline): Pathogenic (1 of 4 stars; one submission).

Conditions:
VPS13A-related neurodegenerative disease. Also called: ACANTHOCYTOSIS WITH NEUROLOGIC DISORDER; LEVINE-CRITCHLEY SYNDROME; Choreoacanthocytosis; Chorea-acanthocytosis; Choreaacanthocytosis; VPS13A Disease. Identifiers: Orphanet 2388, MedGen C0393576, MONDO:0008695, OMIM 200150.

Submission:

Myriad Genetics, Inc.
Classification: Pathogenic for VPS13A-related neurodegenerative disease. Last evaluated: 2025-10-22. Review status: criteria provided, single submitter. Criteria: Myriad Autosomal Dominant, Autosomal Recessive and X-Linked Classification Criteria (2023). Collection method: clinical testing. Allele origin: unknown.
Comment: NM_033305.2(VPS13A):c.4930_4931delAT(M1644Vfs*28) is expected to be pathogenic in the context of VPS13A disease. This variant is predicted to lead to an abnormal or absent protein product due to the creation of a premature termination codon in VPS13A, a gene where loss-of-function variants are known to be pathogenic. Please note: this variant was assessed in the context of healthy population screening.